The following is an entry in ClinVar:

NM_153717.3(EVC):c.625G>A (p.Val209Ile)

Gene: EVC (EvC ciliary complex subunit 1; plus strand). Cytogenetic location: 4p16.2.
Variant type: single nucleotide variant.
Coding change: c.625G>A on transcript NM_153717.3 (MANE Select); coding-DNA position 625, G replaced by A.
Protein change: p.Val209Ile; replaces valine 209 with isoleucine.
Molecular consequence: missense variant.
Genome position (GRCh38, 1-based): chr4:5,733,358, G>A. VCF-style: chr4-5733358-G-A. GRCh37 (hg19) VCF-style: chr4-5735085-G-A.
Other names: c.625G>A, p.Val209Ile (NM_001306090.2, NM_001306092.2); short protein forms V209I.
Identifiers: ClinVar variation 387703 (VCV000387703.23), dbSNP rs202026284, ClinGen allele CA2835778.

ClinVar aggregate classification (germline): Uncertain significance. Review status: criteria provided, multiple submitters, no conflicts (2 of 4 stars). 5 submissions from 5 submitters: Uncertain significance (4). 1 of the submissions does not count toward it. Last evaluated 2024-10-21.

Conditions:
Ellis-van Creveld syndrome (EVC). Also called: EVC-Related Ellis-van Creveld Syndrome; EVC2-Related Ellis-van Creveld Syndrome; MESOECTODERMAL DYSPLASIA; Chondroectodermal dysplasia. Identifiers: Orphanet 289, MedGen C0013903, MONDO:0009162, OMIM 225500.
Curry-Hall syndrome (WAD). Also called: WEYERS ACRODENTAL DYSOSTOSIS. Identifiers: Orphanet 952, MedGen C0457013, MONDO:0008673, OMIM 193530.

Allele frequency attached by ClinVar (database versions not stated): gnomAD exomes 0.00002 and 0.00004; gnomAD 0.00003; TOPMed 0.00003; ExAC 0.00006.
gnomAD v4.1: 41 of 1,613,574 alleles (0.0025%); highest among the groups gnomAD compares: Admixed American, 0.017%; no homozygotes.

Submissions (5):

GeneDx
Classification: Uncertain significance. Last evaluated: 2024-10-21. Review status: criteria provided, single submitter. Criteria: GeneDx Variant Classification Process June 2021. Collection method: clinical testing. Allele origin: germline. Affected: yes.
Comment: In silico analysis indicates that this missense variant does not alter protein structure/function; Has not been previously published as pathogenic or benign to our knowledge

Labcorp Genetics (formerly Invitae), Labcorp
Classification: Uncertain significance for Curry-Hall syndrome; Ellis-van Creveld syndrome. Last evaluated: 2022-08-08. Review status: criteria provided, single submitter. Criteria: Invitae Variant Classification Sherloc (09022015). Collection method: clinical testing. Allele origin: germline.
Comment: This sequence change replaces valine, which is neutral and non-polar, with isoleucine, which is neutral and non-polar, at codon 209 of the EVC protein (p.Val209Ile). This variant is present in population databases (rs202026284, gnomAD 0.02%). This variant has not been reported in the literature in individuals affected with EVC-related conditions. ClinVar contains an entry for this variant (Variation ID: 387703). Algorithms developed to predict the effect of missense changes on protein structure and function output the following: SIFT: "Tolerated"; PolyPhen-2: "Benign"; Align-GVGD: "Class C0". The isoleucine amino acid residue is found in multiple mammalian species, which suggests that this missense change does not adversely affect protein function. In summary, the available evidence is currently insufficient to determine the role of this variant in disease. Therefore, it has been classified as a Variant of Uncertain Significance.

Illumina Laboratory Services, Illumina
Classification: Uncertain significance for Ellis-van Creveld syndrome. Last evaluated: 2018-01-13. Review status: criteria provided, single submitter. Criteria: ICSL Variant Classification Criteria 13 December 2019. Collection method: clinical testing. Allele origin: germline.

ARUP Laboratories, Molecular Genetics and Genomics, ARUP Laboratories
Classification: Uncertain significance. Last evaluated: 2017-01-17. Review status: criteria provided, single submitter. Criteria: ARUP Molecular Germline Variant Investigation Process. Collection method: clinical testing. Allele origin: germline.

Natera, Inc.
Classification: Uncertain significance for Ellis-van Creveld syndrome. Last evaluated: 2020-11-10. Review status: no assertion criteria provided. Collection method: clinical testing. Allele origin: germline. Not counted in ClinVar's aggregate classification.